The following is an entry in ClinVar:

ClinVar aggregate classification (germline): Uncertain significance. Review status: criteria provided, multiple submitters, no conflicts (2 of 4 stars). 2 submissions from 2 submitters: Uncertain significance (2). Last evaluated 2026-01-26.

Conditions:
Hereditary cancer-predisposing syndrome. Also called: Hereditary neoplastic syndrome; Neoplastic Syndromes, Hereditary; Tumor predisposition; Hereditary Cancer Syndrome. Identifiers: Orphanet 140162, MedGen C0027672, MeSH D009386, MONDO:0015356.
Neuroblastoma, susceptibility to, 3. Also called: ALK-Related Neuroblastic Tumor Susceptibility. Identifiers: Orphanet 635, MedGen C2751681, MONDO:0013083, OMIM 613014.

Allele frequency attached by ClinVar (database versions not stated): TOPMed below 0.00001; gnomAD exomes 0.00001.
gnomAD v4.1: 10 of 1,614,242 alleles (0.00062%); highest among the groups gnomAD compares: Non-Finnish European, 0.00076%; no homozygotes.

Submissions (2):

Labcorp Genetics (formerly Invitae), Labcorp
Classification: Uncertain significance for Neuroblastoma, susceptibility to, 3. Last evaluated: 2026-01-26. Review status: criteria provided, single submitter. Criteria: Invitae Variant Classification Sherloc (09022015). Collection method: clinical testing. Allele origin: germline.
Comment: This sequence change replaces glycine, which is neutral and non-polar, with serine, which is neutral and polar, at codon 872 of the ALK protein (p.Gly872Ser). This variant is present in population databases (no rsID available, gnomAD 0.002%). This variant has not been reported in the literature in individuals affected with ALK-related conditions. ClinVar contains an entry for this variant (Variation ID: 470798). An algorithm developed to predict the effect of missense changes on protein structure and function (PolyPhen-2) suggests that this variant is likely to be disruptive. In summary, the available evidence is currently insufficient to determine the role of this variant in disease. Therefore, it has been classified as a Variant of Uncertain Significance.

Ambry Genetics
Classification: Uncertain significance for Hereditary cancer-predisposing syndrome. Last evaluated: 2025-01-17. Review status: criteria provided, single submitter. Criteria: Ambry Variant Classification Scheme 2023. Collection method: clinical testing. Allele origin: germline.
Comment: The p.G872S variant (also known as c.2614G>A), located in coding exon 15 of the ALK gene, results from a G to A substitution at nucleotide position 2614. The glycine at codon 872 is replaced by serine, an amino acid with similar properties. This amino acid position is highly conserved in available vertebrate species. In addition, the in silico prediction for this alteration is inconclusive. Based on the available evidence, the clinical significance of this variant remains unclear.

NM_004304.5(ALK):c.2614G>A (p.Gly872Ser)

Gene: ALK (ALK receptor tyrosine kinase; minus strand). Cytogenetic location: 2p23.2.
Variant type: single nucleotide variant.
Coding change: c.2614G>A on transcript NM_004304.5 (MANE Select); coding-DNA position 2614, G replaced by A.
Protein change: p.Gly872Ser; replaces glycine 872 with serine.
Molecular consequence: missense variant.
Genome position (GRCh38, 1-based): chr2:29,232,322, C>T on the plus strand (G>A on the coding strand, the complement: ALK is on the minus strand). VCF-style: chr2-29232322-C-T. GRCh37 (hg19) VCF-style: chr2-29455188-C-T.
Other names: short protein forms G872S.
Identifiers: ClinVar variation 470798 (VCV000470798.10), dbSNP rs1343280200, ClinGen allele CA346471549.
Genomic context (GRCh38, chr2:29,232,322, plus strand): 5'-CTGGGAGAGGTTCTGGGAGAGGGCACGCTTGCAGCGCTTTACCTGCGGCTCCGGAATTGC[C>T]GTTTAGCCCTAGAACCGAGGAGTTATTCTCCAGTCTCTCTGGGTGGAACGTGTCTGTCTT-3'
Protein context (NP_004295.2, residues 862-882): ENNSSVLGLN[Gly872Ser]NSGAAGGGGG